The following is an entry in ClinVar:

NM_005334.3(HCFC1):c.4063C>T (p.Arg1355Cys)

Gene: HCFC1 (host cell factor C1; minus strand). Cytogenetic location: Xq28.
Variant type: single nucleotide variant.
Coding change: c.4063C>T on transcript NM_005334.3 (MANE Select); coding-DNA position 4063, C replaced by T.
Protein change: p.Arg1355Cys; replaces arginine 1355 with cysteine.
Molecular consequence: missense variant.
Genome position (GRCh38, 1-based): chrX:153,954,336, G>A on the plus strand (C>T on the coding strand, the complement: HCFC1 is on the minus strand). VCF-style: chrX-153954336-G-A. GRCh37 (hg19) VCF-style: chrX-153219787-G-A.
Other names: c.4063C>T, p.Arg1355Cys (NM_001410705.1); short protein forms R1355C.
Identifiers: ClinVar variation 2170634 (VCV002170634.2), dbSNP rs782737479, ClinGen allele CA10557084.

ClinVar aggregate classification (germline): Uncertain significance (1 of 4 stars; one submission).

Conditions:
Methylmalonic acidemia with homocystinuria, type cblX (MAHCX). Also called: INTELLECTUAL DEVELOPMENTAL DISORDER, X-LINKED 3. Identifiers: Orphanet 369962, MedGen C0796208, MONDO:0010657, OMIM 309541.

Allele frequency attached by ClinVar (database versions not stated): ExAC 0.00001; gnomAD exomes 0.00001; TOPMed 0.00001; gnomAD 0.00002.

Submission:

Labcorp Genetics (formerly Invitae), Labcorp
Classification: Uncertain significance for Methylmalonic acidemia with homocystinuria, type cblX. Last evaluated: 2026-01-12. Review status: criteria provided, single submitter. Criteria: Invitae Variant Classification Sherloc (09022015). Collection method: clinical testing. Allele origin: germline.
Comment: This sequence change replaces arginine, which is basic and polar, with cysteine, which is neutral and slightly polar, at codon 1355 of the HCFC1 protein (p.Arg1355Cys). This variant is present in population databases (rs782737479, gnomAD 0.008%). This variant has not been reported in the literature in individuals affected with HCFC1-related conditions. ClinVar contains an entry for this variant (Variation ID: 2170634). An algorithm developed to predict the effect of missense changes on protein structure and function outputs the following: PolyPhen-2: "Benign". The cysteine amino acid residue is found in multiple mammalian species, which suggests that this missense change does not adversely affect protein function. In summary, the available evidence is currently insufficient to determine the role of this variant in disease. Therefore, it has been classified as a Variant of Uncertain Significance.